The following is an entry in ClinVar:

NM_000059.4(BRCA2):c.2192_2196del (p.Glu731fs)

Gene: BRCA2 (BRCA2 DNA repair associated; plus strand). Cytogenetic location: 13q13.1.
Variant type: Deletion.
Coding change: c.2192_2196del on transcript NM_000059.4 (MANE Select); coding-DNA positions 2192 to 2196, 5 bases deleted (AAGAG; older notation c.2192_2196delAAGAG).
Protein change: p.Glu731fs; shifts the reading frame from glutamic acid 731.
Molecular consequence: frameshift variant.
Genome position (GRCh38, 1-based): chr13:32,336,547-32,336,551, AAGAG deleted; deleting any 5 consecutive bases within chr13:32,336,545-32,336,551 gives the same sequence; the c. name uses the placement nearest the transcript's 3' end. VCF-style (leftmost placement, unchanged base first): chr13-32336544-AAGAAG-A. GRCh37 (hg19) VCF-style: chr13-32910681-AAGAAG-A.
Other names: c.2192_2196delAAGAG (NM_000059.3); short protein forms E731fs.
Identifiers: ClinVar variation 419078 (VCV000419078.3), dbSNP rs1064793627, ClinGen allele CA16619667.

ClinVar aggregate classification (germline): Pathogenic. Review status: reviewed by expert panel (3 of 4 stars). 3 submissions from 3 submitters: Pathogenic (1). 2 of the submissions do not count toward it. Last evaluated 2017-12-15.

Conditions:
Hereditary cancer-predisposing syndrome. Also called: Hereditary neoplastic syndrome; Hereditary Cancer Syndrome; Neoplastic Syndromes, Hereditary; Tumor predisposition. Identifiers: Orphanet 140162, MedGen C0027672, MeSH D009386, MONDO:0015356.
Breast-ovarian cancer, familial, susceptibility to, 2 (BROVCA2). Also called: BRCA2 Hereditary Breast and Ovarian Cancer. Identifiers: Orphanet 145, MedGen C2675520, MONDO:0012933, OMIM 612555. Disease mechanism: loss of function.

Submissions (3):

Evidence-based Network for the Interpretation of Germline Mutant Alleles (ENIGMA)
Classification: Pathogenic for Breast-ovarian cancer, familial, susceptibility to, 2. Last evaluated: 2017-12-15. Review status: reviewed by expert panel. Criteria: ENIGMA BRCA1/2 Classification Criteria (2017-06-29). Collection method: curation. Allele origin: germline. Study: ENIGMA.
Comment: Variant allele predicted to encode a truncated non-functional protein.

Molecular Diagnostics Laboratory, Catalan Institute of Oncology
Classification: Pathogenic for Hereditary cancer-predisposing syndrome. Last evaluated: 2024-09-19. Review status: criteria provided, single submitter. Criteria: ClinGen BRCA1BRCA2 ACMG Specifications BRCA2 V1.0.0. Collection method: clinical testing. Allele origin: germline. Not counted in ClinVar's aggregate classification.
Comment: PVS1, PM5_PTC_Strong c.2192_2196del, located in exon 11 of the BRCA2 gene, consists in the deletion of five nucleotides, causing a translational frameshift with a predicted alternate stop codon p.(Glu731Glyfs*18). This alteration is expected to result in loss of function by premature protein truncation and nonsense-mediated mRNA decay (PVS1) (PM5_PTC_Strong). It is not present in the population database gnomAD v2.1.1, non cancer dataset. The SpliceAI algorithm predicts no significant impact on splicing. To our knowledge, no functional studies have been reported for this variant. In addition, it has been reported in ClinVar database (1x as pathogenic) and reviewed by an expert panel as a pathogenic variant, ENIGMA (15/12/2017):”Variant allele predicted to encode a truncated non-functional protein”)) but has not been identified in the LOVD databases. Based on currently available information, the variant c.2192_2196del is classified as a pathogenic variant according to ClinGen-BRCA1 and BRCA2 Guidelines version 1.0.0.

GeneDx
Classification: Pathogenic. Last evaluated: 2015-05-22. Review status: criteria provided, single submitter. Criteria: GeneDx Variant Classification (06012015). Collection method: clinical testing. Allele origin: germline. Affected: yes. Not counted in ClinVar's aggregate classification.
Comment: This deletion of 5 nucleotides in BRCA2 is denoted c.2192_2196delAAGAG at the cDNA level and p.Glu731GlyfsX18 (E731GfsX18) at the protein level. The normal sequence, with the bases that are deleted in braces, is AAAG[AAGAG]GTCT. The deletion causes a frameshift, which changes a Glutamic Acid to a Glycine at codon 731, and creates a premature stop codon at position 18 of the new reading frame. Although this variant has not, to our knowledge, been reported in the literature, it is predicted to cause loss of normal protein function through either protein truncation or nonsense-mediated mRNA decay. we consider this variant to be pathogenic.